The following is an entry in ClinVar:

ClinVar aggregate classification (germline): other (0 of 4 stars; one submission).

Conditions:
Familial colorectal cancer. Identifiers: MedGen CN280943, MONDO:0023113. Disease mechanism: loss of function.

Submission:

Systems Biology Platform Zhejiang California International NanoSystems Institute
Classification: other for Familial colorectal cancer. Review status: no assertion criteria provided. Collection method: not provided. Allele origin: unknown.
ClinVar note: Converted during submission from cancer to other.

NM_000038.6(APC):c.532-2267A>T

Gene: APC (APC regulator of WNT signaling pathway; plus strand). Cytogenetic location: 5q22.2.
Variant type: single nucleotide variant.
Coding change: c.532-2267A>T on transcript NM_000038.6 (MANE Select); 2267 bases into the intron before coding-DNA position 532, A replaced by T.
Molecular consequence: intron variant.
Genome position (GRCh38, 1-based): chr5:112,778,523, A>T. VCF-style: chr5-112778523-A-T. GRCh37 (hg19) VCF-style: chr5-112114220-A-T.
Other names: c.532-2267A>T (NM_001354895.2, NM_001127510.3, NM_001354896.2 and 2 more transcripts); c.562-2267A>T (NM_001354897.2, NM_001354902.2, NM_001127511.3); c.457-2267A>T (NM_001354898.2, NM_001354904.2); c.-504-2267A>T (NM_001354906.2); c.355-2267A>T (NM_001354900.2, NM_001354901.2, NM_001354905.2).
Identifiers: ClinVar variation 82430 (VCV000082430.2), dbSNP rs79320593, ClinGen allele CA010269.